The following is an entry in ClinVar:

NM_001378452.1(ITPR1):c.3705C>G (p.Ala1235=)

Gene: ITPR1 (inositol 1,4,5-trisphosphate receptor type 1; plus strand). Cytogenetic location: 3p26.1.
Variant type: single nucleotide variant.
Coding change: c.3705C>G on transcript NM_001378452.1 (MANE Select); coding-DNA position 3705, C replaced by G.
Protein change: p.Ala1235=; no amino-acid change (alanine 1235 retained).
Molecular consequence: synonymous variant.
Genome position (GRCh38, 1-based): chr3:4,688,497, C>G. VCF-style: chr3-4688497-C-G. GRCh37 (hg19) VCF-style: chr3-4730181-C-G.
Other names: c.3678C>G, p.Ala1226= (NM_001099952.4); c.3660C>G, p.Ala1220= (NM_001168272.2); c.3633C>G, p.Ala1211= (NM_002222.7).
Identifiers: ClinVar variation 345731 (VCV000345731.13), dbSNP rs34635052, ClinGen allele CA2231795.

ClinVar aggregate classification (germline): Conflicting classifications of pathogenicity. Review status: criteria provided, conflicting classifications (1 of 4 stars). 3 submissions from 3 submitters: Uncertain significance (1); Likely benign (2). Last evaluated 2024-11-18.

Conditions:
Autosomal dominant cerebellar ataxia. Also called: Spinocerebellar Ataxia, Dominant. Identifiers: Orphanet 99, MedGen C4087347, MONDO:0020380.

Allele frequency attached by ClinVar (database versions not stated): TOPMed 0.00003.
gnomAD v4.1: 49 of 1,613,700 alleles (0.003%); highest among the groups gnomAD compares: Admixed American, 0.015%; no homozygotes.

Submissions (3):

Labcorp Genetics (formerly Invitae), Labcorp
Classification: Likely benign. Last evaluated: 2024-11-18. Review status: criteria provided, single submitter. Criteria: Invitae Variant Classification Sherloc (09022015). Collection method: clinical testing. Allele origin: germline.

Women's Health and Genetics/Laboratory Corporation of America, LabCorp
Classification: Likely benign. Last evaluated: 2022-02-15. Review status: criteria provided, single submitter. Criteria: LabCorp Variant Classification Summary - May 2015. Collection method: clinical testing. Allele origin: germline.
Comment: Variant summary: ITPR1 c.3633C>G (p.Ala1211Ala) alters a conserved nucleotide located close to a canonical splice site and therefore could affect mRNA splicing, leading to a significantly altered protein sequence. 4/4 computational tools predict no significant impact on normal splicing. However, these predictions have yet to be confirmed by functional studies. The variant allele was found at a frequency of 2.8e-05 in 248928 control chromosomes (gnomAD). The available data on variant occurrences in the general population are insufficient to allow any conclusion about variant significance. To our knowledge, no occurrence of c.3633C>G in individuals affected with Spinocerebellar Ataxia 29 and no experimental evidence demonstrating its impact on protein function have been reported. One clinical diagnostic laboratory has submitted clinical-significance assessments for this variant to ClinVar after 2014 and classified the variant as uncertain significance. Based on the evidence outlined above, the variant was classified as likely benign.

Illumina Laboratory Services, Illumina
Classification: Uncertain significance for Spinocerebellar Ataxia, Dominant. Last evaluated: 2018-01-13. Review status: criteria provided, single submitter. Criteria: ICSL Variant Classification Criteria 13 December 2019. Collection method: clinical testing. Allele origin: germline.